The following is an entry in ClinVar:

ClinVar aggregate classification (germline): Uncertain significance (1 of 4 stars; one submission).

Conditions:
Autosomal recessive cerebellar ataxia-saccadic intrusion syndrome. Also called: SPINOCEREBELLAR ATAXIA 24; VPS13D Movement Disorder. Identifiers: Orphanet 95434, MedGen C1846492, MONDO:0011811, OMIM 607317.

Submission:

Molecular Genetics, Royal Melbourne Hospital
Classification: Uncertain significance for Autosomal recessive cerebellar ataxia-saccadic intrusion syndrome. Last evaluated: 2022-04-01. Review status: criteria provided, single submitter. Criteria: ACMG Guidelines, 2015. Collection method: clinical testing. Allele origin: germline.
Comment: This sequence change in VPS13D is predicted to replace methionine with arginine at codon 3252, p.(Met3252Arg). The methionine residue is highly conserved (100 vertebrates, UCSC), and is not in an annotated functional domain. There is a moderate physicochemical difference between methionine and arginine. This variant is absent from gnomAD v2,1 and v3.1. To our knowledge, this variant has not been reported in the literature in any individuals with VPS13D-releated disease. Multiple lines of computational evidence predict a deleterious effect for the missense substitution (3/4 algorithms). Based on the classification scheme RMH Modified ACMG Guidelines v1.5.1, this variant is classified as a VARIANT OF UNCERTAIN SIGNIFICANCE. Following criteria are met: PM2_Supporting, PP3.

NM_015378.4(VPS13D):c.9755T>G (p.Met3252Arg)

Gene: VPS13D (vacuolar protein sorting 13 homolog D; plus strand). Cytogenetic location: 1p36.22.
Variant type: single nucleotide variant.
Coding change: c.9755T>G on transcript NM_015378.4 (MANE Select); coding-DNA position 9755, T replaced by G.
Protein change: p.Met3252Arg; replaces methionine 3252 with arginine.
Molecular consequence: missense variant.
Genome position (GRCh38, 1-based): chr1:12,355,974, T>G. VCF-style: chr1-12355974-T-G. GRCh37 (hg19) VCF-style: chr1-12416031-T-G.
Other names: c.9680T>G, p.Met3227Arg (NM_018156.4); short protein forms M3227R, M3252R.
Identifiers: ClinVar variation 3068580 (VCV003068580.1), dbSNP rs2524377267, ClinGen allele CA338495199.